The following is an entry in ClinVar:

ClinVar aggregate classification (germline): Uncertain significance. Review status: criteria provided, multiple submitters, no conflicts (2 of 4 stars). 2 submissions from 2 submitters: Uncertain significance (2). Last evaluated 2025-10-06.

Conditions:
Hereditary cancer-predisposing syndrome. Also called: Neoplastic Syndromes, Hereditary; Tumor predisposition; Hereditary Cancer Syndrome; Hereditary neoplastic syndrome. Identifiers: Orphanet 140162, MedGen C0027672, MeSH D009386, MONDO:0015356.
Gastrointestinal stromal tumor. Also called: Gastrointestinal stromal tumor, somatic; Gastrointestinal stroma tumor. Identifiers: Orphanet 44890, MedGen C0238198, MeSH D046152, MONDO:0011719, OMIM 606764, HP:0100723.

Submissions (2):

Labcorp Genetics (formerly Invitae), Labcorp
Classification: Uncertain significance for Gastrointestinal stromal tumor. Last evaluated: 2025-10-06. Review status: criteria provided, single submitter. Criteria: Invitae Variant Classification Sherloc (09022015). Collection method: clinical testing. Allele origin: germline.
Comment: This sequence change replaces valine, which is neutral and non-polar, with methionine, which is neutral and non-polar, at codon 211 of the KIT protein (p.Val211Met). This variant is not present in population databases (gnomAD no frequency). This variant has not been reported in the literature in individuals affected with KIT-related conditions. ClinVar contains an entry for this variant (Variation ID: 834144). An algorithm developed to predict the effect of missense changes on protein structure and function (PolyPhen-2) suggests that this variant is likely to be tolerated. In summary, the available evidence is currently insufficient to determine the role of this variant in disease. Therefore, it has been classified as a Variant of Uncertain Significance.

Ambry Genetics
Classification: Uncertain significance for Hereditary cancer-predisposing syndrome. Last evaluated: 2023-12-22. Review status: criteria provided, single submitter. Criteria: Ambry Variant Classification Scheme 2023. Collection method: clinical testing. Allele origin: germline.
Comment: The p.V211M variant (also known as c.631G>A), located in coding exon 4 of the KIT gene, results from a G to A substitution at nucleotide position 631. The valine at codon 211 is replaced by methionine, an amino acid with highly similar properties. This amino acid position is conserved. In addition, this alteration is predicted to be tolerated by in silico analysis. Since supporting evidence is limited at this time, the clinical significance of this alteration remains unclear.

NM_000222.3(KIT):c.631G>A (p.Val211Met)

Gene: KIT (KIT proto-oncogene, receptor tyrosine kinase; plus strand). Cytogenetic location: 4q12.
Variant type: single nucleotide variant.
Coding change: c.631G>A on transcript NM_000222.3 (MANE Select); coding-DNA position 631, G replaced by A.
Protein change: p.Val211Met; replaces valine 211 with methionine.
Molecular consequence: missense variant.
Genome position (GRCh38, 1-based): chr4:54,699,641, G>A. VCF-style: chr4-54699641-G-A. GRCh37 (hg19) VCF-style: chr4-55565807-G-A.
Other names: c.631G>A, p.Val211Met (NM_001093772.2, NM_001385284.1, NM_001385285.1 and 4 more transcripts); short protein forms V211M.
Identifiers: ClinVar variation 834144 (VCV000834144.19), dbSNP rs1290764669, ClinGen allele CA356898166.